The following is an entry in ClinVar:

NM_000073.3(CD3G):c.2T>A (p.Met1Lys)

Gene: CD3G (CD3 gamma subunit of T-cell receptor complex; plus strand). Cytogenetic location: 11q23.3.
Variant type: single nucleotide variant.
Coding change: c.2T>A on transcript NM_000073.3 (MANE Select); coding-DNA position 2, T replaced by A.
Protein change: p.Met1Lys; changes the start codon (methionine 1).
Molecular consequence: missense variant, initiator codon variant.
Genome position (GRCh38, 1-based): chr11:118,344,425, T>A. VCF-style: chr11-118344425-T-A. GRCh37 (hg19) VCF-style: chr11-118215140-T-A.
Other names: short protein forms M1K.
Identifiers: ClinVar variation 3652400 (VCV003652400.2).

ClinVar aggregate classification (germline): Likely pathogenic (1 of 4 stars; one submission).

Conditions:
Combined immunodeficiency due to CD3gamma deficiency. Also called: CD3-GAMMA DEFICIENCY; Immunodeficiency 17; SCID-LIKE IMMUNODEFICIENCY, T CELL-PARTIAL, B CELL-POSITIVE, NK CELL-POSITIVE; Immunodeficiency 17, CD3 gamma deficient. Identifiers: Orphanet 169082, MedGen C3810107, MONDO:0014276, OMIM 615607.

Submission:

Labcorp Genetics (formerly Invitae), Labcorp
Classification: Likely pathogenic for Combined immunodeficiency due to CD3gamma deficiency. Last evaluated: 2024-05-08. Review status: criteria provided, single submitter. Criteria: Invitae Variant Classification Sherloc (09022015). Collection method: clinical testing. Allele origin: germline.
Comment: This sequence change affects the initiator methionine of the CD3G mRNA. The next in-frame methionine is located at codon 61. This variant is not present in population databases (gnomAD no frequency). Disruption of the initiator codon has been observed in individual(s) with severe combined immunodeficiency (PMID: 1635567, 29653965). In at least one individual the data is consistent with being in trans (on the opposite chromosome) from a pathogenic variant. It has also been observed to segregate with disease in related individuals. In summary, the currently available evidence indicates that the variant is pathogenic, but additional data are needed to prove that conclusively. Therefore, this variant has been classified as Likely Pathogenic.

Literature cited by the submitters: PubMed 1635567; PubMed 29653965.